The following is an entry in ClinVar:

NM_022773.4(LMF1):c.1588G>A (p.Ala530Thr)

Gene: LMF1 (lipase maturation factor 1; minus strand). Cytogenetic location: 16p13.3.
Variant type: single nucleotide variant.
Coding change: c.1588G>A on transcript NM_022773.4 (MANE Select); coding-DNA position 1588, G replaced by A.
Protein change: p.Ala530Thr; replaces alanine 530 with threonine.
Molecular consequence: missense variant. On other transcripts: non-coding transcript variant (1).
Genome position (GRCh38, 1-based): chr16:854,648, C>T on the plus strand (G>A on the coding strand, the complement: LMF1 is on the minus strand). VCF-style: chr16-854648-C-T. GRCh37 (hg19) VCF-style: chr16-904648-C-T.
Other names: c.937G>A, p.Ala313Thr (NM_001352017.2, NM_001352021.2); c.1189G>A, p.Ala397Thr (NM_001352018.2); c.1261G>A, p.Ala421Thr (NM_001352019.2); c.1508G>A, p.Arg503His (NM_001352020.1); short protein forms A313T, A421T, R503H, A397T, A530T.
Identifiers: ClinVar variation 1775850 (VCV001775850.2), dbSNP rs774434840, ClinGen allele CA7796868.

ClinVar aggregate classification (germline): Uncertain significance (1 of 4 stars; one submission).

Conditions:
Cardiovascular phenotype. Identifiers: MedGen CN230736.

Allele frequency attached by ClinVar (database versions not stated): gnomAD exomes 0.00002; TOPMed 0.00002; gnomAD 0.00003; ExAC 0.00005.

Submission:

Ambry Genetics
Classification: Uncertain significance for Cardiovascular phenotype. Last evaluated: 2023-09-15. Review status: criteria provided, single submitter. Criteria: Ambry Variant Classification Scheme 2023. Collection method: clinical testing. Allele origin: germline.
Comment: The p.A530T variant (also known as c.1588G>A), located in coding exon 11 of the LMF1 gene, results from a G to A substitution at nucleotide position 1588. The alanine at codon 530 is replaced by threonine, an amino acid with similar properties. This amino acid position is conserved. In addition, this alteration is predicted to be tolerated by in silico analysis. Since supporting evidence is limited at this time, the clinical significance of this alteration remains unclear.